The following is an entry in ClinVar:

NM_014141.6(CNTNAP2):c.566A>C (p.Asn189Thr)

Gene: CNTNAP2 (contactin associated protein 2; plus strand). Cytogenetic location: 7q35.
Variant type: single nucleotide variant.
Coding change: c.566A>C on transcript NM_014141.6 (MANE Select); coding-DNA position 566, A replaced by C.
Protein change: p.Asn189Thr; replaces asparagine 189 with threonine.
Molecular consequence: missense variant.
Genome position (GRCh38, 1-based): chr7:147,108,162, A>C. VCF-style: chr7-147108162-A-C. GRCh37 (hg19) VCF-style: chr7-146805254-A-C.
Other names: short protein forms N189T.
Identifiers: ClinVar variation 958367 (VCV000958367.7), dbSNP rs1033655505, ClinGen allele CA168687879.

ClinVar aggregate classification (germline): Uncertain significance (1 of 4 stars; one submission).

Conditions:
Cortical dysplasia-focal epilepsy syndrome (PTHSL1). Also called: Pitt-Hopkins-like syndrome 1. Identifiers: Orphanet 163681, Orphanet 221150, MedGen C2750246, MONDO:0012400, OMIM 610042.

Allele frequency attached by ClinVar (database versions not stated): gnomAD 0.00001; gnomAD exomes 0.00001.
gnomAD v4.1: 8 of 1,613,394 alleles (0.0005%); highest among the groups gnomAD compares: South Asian, 0.0044%; no homozygotes.

Submission:

Labcorp Genetics (formerly Invitae), Labcorp
Classification: Uncertain significance for Cortical dysplasia-focal epilepsy syndrome. Last evaluated: 2021-08-28. Review status: criteria provided, single submitter. Criteria: Invitae Variant Classification Sherloc (09022015). Collection method: clinical testing. Allele origin: germline.
Comment: This sequence change replaces asparagine with threonine at codon 189 of the CNTNAP2 protein (p.Asn189Thr). The asparagine residue is weakly conserved and there is a small physicochemical difference between asparagine and threonine. This variant is not present in population databases (ExAC no frequency). This variant has not been reported in the literature in individuals affected with CNTNAP2-related conditions. Algorithms developed to predict the effect of missense changes on protein structure and function (SIFT, PolyPhen-2, Align-GVGD) all suggest that this variant is likely to be tolerated. In summary, the available evidence is currently insufficient to determine the role of this variant in disease. Therefore, it has been classified as a Variant of Uncertain Significance.